The following is an entry in ClinVar:

ClinVar aggregate classification (germline): Uncertain significance (1 of 4 stars; one submission).

Conditions:
Multiple congenital exostosis (EXT). Also called: Hereditary multiple exostoses; Hereditary multiple exostosis; Multiple osteochondromas; MULTIPLE CARTILAGINOUS EXOSTOSES; Hereditary multiple osteochondromas; Multiple exostoses. Identifiers: Orphanet 321, MedGen C0015306, MONDO:0005508, HP:0002762.

Allele frequency attached by ClinVar (database versions not stated): TOPMed below 0.00001; gnomAD 0.00001.
gnomAD v4.1: 3 of 1,614,056 alleles (0.00019%); highest among the groups gnomAD compares: Non-Finnish European, 0.00025%; no homozygotes.

Submission:

Labcorp Genetics (formerly Invitae), Labcorp
Classification: Uncertain significance for Multiple congenital exostosis. Last evaluated: 2020-06-27. Review status: criteria provided, single submitter. Criteria: Invitae Variant Classification Sherloc (09022015). Collection method: clinical testing. Allele origin: germline.
Comment: This variant is not present in population databases (ExAC no frequency). This sequence change replaces glutamine with arginine at codon 732 of the EXT1 protein (p.Gln732Arg). The glutamine residue is highly conserved and there is a small physicochemical difference between glutamine and arginine. This variant has not been reported in the literature in individuals with EXT1-related conditions. Algorithms developed to predict the effect of missense changes on protein structure and function are either unavailable or do not agree on the potential impact of this missense change (SIFT: "Tolerated"; PolyPhen-2: "Possibly Damaging"; Align-GVGD: "Class C0"). In summary, the available evidence is currently insufficient to determine the role of this variant in disease. Therefore, it has been classified as a Variant of Uncertain Significance.

NM_000127.3(EXT1):c.2195A>G (p.Gln732Arg)

Gene: EXT1 (exostosin glycosyltransferase 1; minus strand). Cytogenetic location: 8q24.11.
Variant type: single nucleotide variant.
Coding change: c.2195A>G on transcript NM_000127.3 (MANE Select); coding-DNA position 2195, A replaced by G.
Protein change: p.Gln732Arg; replaces glutamine 732 with arginine.
Molecular consequence: missense variant.
Genome position (GRCh38, 1-based): chr8:117,799,758, T>C on the plus strand (A>G on the coding strand, the complement: EXT1 is on the minus strand). VCF-style: chr8-117799758-T-C. GRCh37 (hg19) VCF-style: chr8-118811997-T-C.
Other names: short protein forms Q732R.
Identifiers: ClinVar variation 1035858 (VCV001035858.9), dbSNP rs1188494289, ClinGen allele CA371889721.